The following is an entry in ClinVar:

ClinVar aggregate classification (germline): Uncertain significance (1 of 4 stars; one submission).

Conditions:
Haddad syndrome (OHD). Also called: Ondine-Hirschsprung disease. Identifiers: Orphanet 99803, MedGen C1859049, MONDO:0020493.

Submission:

Labcorp Genetics (formerly Invitae), Labcorp
Classification: Uncertain significance for Haddad syndrome. Last evaluated: 2021-12-26. Review status: criteria provided, single submitter. Criteria: Invitae Variant Classification Sherloc (09022015). Collection method: clinical testing. Allele origin: germline.
Comment: In summary, the available evidence is currently insufficient to determine the role of this variant in disease. Therefore, it has been classified as a Variant of Uncertain Significance. Algorithms developed to predict the effect of sequence changes on RNA splicing suggest that this variant may create or strengthen a splice site. Algorithms developed to predict the effect of missense changes on protein structure and function (SIFT, PolyPhen-2, Align-GVGD) all suggest that this variant is likely to be disruptive. This variant has not been reported in the literature in individuals affected with PHOX2B-related conditions. This variant is not present in population databases (gnomAD no frequency). This sequence change replaces tyrosine, which is neutral and polar, with cysteine, which is neutral and slightly polar, at codon 44 of the PHOX2B protein (p.Tyr44Cys).

NM_003924.4(PHOX2B):c.131A>G (p.Tyr44Cys)

Genes: PHOX2B (paired like homeobox 2B; minus strand), PHOX2B-AS1 (PHOX2B antisense RNA 1; plus strand). Cytogenetic location: 4p13.
Variant type: single nucleotide variant.
Coding change: c.131A>G on transcript NM_003924.4 (MANE Select); coding-DNA position 131, A replaced by G.
Protein change: p.Tyr44Cys; replaces tyrosine 44 with cysteine.
Molecular consequence: missense variant.
Genome position (GRCh38, 1-based): chr4:41,748,480, T>C on the plus strand (A>G on the coding strand, the complement: PHOX2B is on the minus strand). VCF-style: chr4-41748480-T-C. GRCh37 (hg19) VCF-style: chr4-41750497-T-C.
Other names: short protein forms Y44C.
Identifiers: ClinVar variation 2061302 (VCV002061302.4), dbSNP rs2552097182, ClinGen allele CA356741014.
Genomic context (GRCh38, chr4:41,748,480, plus strand): 5'-GATCCCGGCGTGAGGGAAGGGCAGCCGGACGTGGCCCCAAAAGTGGTCCTTATCGGGTTA[T>C]ACTGGAAGCCACTGGCCTGGCTGCAGGAACTGAAGTCAGCATAGGCTGAAGCCAGGCTCG-3'
Protein context (NP_003915.2, residues 34-54): SSCSQASGFQ[Tyr44Cys]NPIRTTFGAT